The following is an entry in ClinVar:

NM_000051.4(ATM):c.1219T>G (p.Phe407Val)

Gene: ATM (ATM serine/threonine kinase; plus strand). Cytogenetic location: 11q22.3.
Variant type: single nucleotide variant.
Coding change: c.1219T>G on transcript NM_000051.4 (MANE Select); coding-DNA position 1219, T replaced by G.
Protein change: p.Phe407Val; replaces phenylalanine 407 with valine.
Molecular consequence: missense variant.
Genome position (GRCh38, 1-based): chr11:108,249,086, T>G. VCF-style: chr11-108249086-T-G. GRCh37 (hg19) VCF-style: chr11-108119813-T-G.
Other names: c.1219T>G, p.Phe407Val (NM_001351834.2); short protein forms F407V.
Identifiers: ClinVar variation 2123101 (VCV002123101.5), dbSNP rs2135295463, ClinGen allele CA382532638.

ClinVar aggregate classification (germline): Uncertain significance. Review status: criteria provided, multiple submitters, no conflicts (2 of 4 stars). 2 submissions from 2 submitters: Uncertain significance (2). Last evaluated 2024-11-15.

Conditions:
Ataxia-telangiectasia syndrome (AT). Also called: Cerebello-oculocutaneous telangiectasia; Immunodeficiency with ataxia telangiectasia; Ataxia-telangiectasia, complementation group D; Ataxia telangiectasia (A-T); ATAXIA-TELANGIECTASIA, COMPLEMENTATION GROUP A; ATAXIA-TELANGIECTASIA, FRESNO VARIANT. Identifiers: Orphanet 100, MedGen C0004135, MONDO:0008840, OMIM 208900.

Submissions (2):

GeneDx
Classification: Uncertain significance. Last evaluated: 2024-11-15. Review status: criteria provided, single submitter. Criteria: GeneDx Variant Classification Process June 2021. Collection method: clinical testing. Allele origin: germline. Affected: yes.
Comment: Not observed at significant frequency in large population cohorts (gnomAD); In silico analysis supports that this missense variant has a deleterious effect on protein structure/function; Has not been previously published as pathogenic or benign to our knowledge

Labcorp Genetics (formerly Invitae), Labcorp
Classification: Uncertain significance for Ataxia-telangiectasia syndrome. Last evaluated: 2024-10-15. Review status: criteria provided, single submitter. Criteria: Invitae Variant Classification Sherloc (09022015). Collection method: clinical testing. Allele origin: germline.
Comment: This sequence change replaces phenylalanine, which is neutral and non-polar, with valine, which is neutral and non-polar, at codon 407 of the ATM protein (p.Phe407Val). This variant is not present in population databases (gnomAD no frequency). This variant has not been reported in the literature in individuals affected with ATM-related conditions. ClinVar contains an entry for this variant (Variation ID: 2123101). Invitae Evidence Modeling of protein sequence and biophysical properties (such as structural, functional, and spatial information, amino acid conservation, physicochemical variation, residue mobility, and thermodynamic stability) indicates that this missense variant is not expected to disrupt ATM protein function with a negative predictive value of 95%. In summary, the available evidence is currently insufficient to determine the role of this variant in disease. Therefore, it has been classified as a Variant of Uncertain Significance.